The following is an entry in ClinVar:

ClinVar aggregate classification (germline): Benign (1 of 4 stars; one submission).

gnomAD v4.1: 1,089 of 1,531,446 alleles (0.071%); highest among the groups gnomAD compares: East Asian, 0.31%; 1 homozygote.

Submission:

CeGaT Center for Human Genetics Tuebingen
Classification: Benign. Last evaluated: 2026-09-01. Review status: criteria provided, single submitter. Criteria: CeGaT Center For Human Genetics Tuebingen Variant Classification Criteria Version 2. Collection method: clinical testing. Allele origin: germline. Affected: yes. Observed: 2 variant alleles.
Comment: RBFOX1: BP4, BS1, BS2

NM_018723.4(RBFOX1):c.1071+493G>A

Genes: RBFOX1 (RNA binding fox-1 homolog 1; plus strand), LOC126862279 (MED14-independent group 3 enhancer GRCh37_chr16:7758954-7760153; plus strand). Cytogenetic location: 16p13.3.
Variant type: single nucleotide variant.
Coding change: c.1071+493G>A on transcript NM_018723.4 (MANE Select); 493 bases into the intron after coding-DNA position 1071, G replaced by A.
Molecular consequence: intron variant. On other transcripts: 3 prime UTR variant (4), missense variant (3).
Genome position (GRCh38, 1-based): chr16:7,709,624, G>A. VCF-style: chr16-7709624-G-A. GRCh37 (hg19) VCF-style: chr16-7759626-G-A.
Other names: c.1053+493G>A (NM_001415905.1, NM_001415906.1); c.1184+493G>A (NM_001415904.1); c.1131+493G>A (NM_001415896.1); c.1187+493G>A (NM_145893.3); c.1134+493G>A (NM_145891.3, NM_145892.3); c.1103+493G>A (NM_001415915.1); c.1130+493G>A (NM_001415911.1); c.1077+493G>A (NM_001415902.1); and 26 more; short protein forms A444T, A455T, A462T.
Identifiers: ClinVar variation 3777932 (VCV003777932.7).
Genomic context (GRCh38, chr16:7,709,624, plus strand): 5'-GCAGCTGAGAATCTGACTGCCTCTCCTCCCCTATTACAATTCATGTTTAAAGTCATAGTC[G>A]CCCAGGAAAGAAAATAGAGAGGGGCACACTTTGTGTGTGTACCTAGTACATAAGAAAGTA-3'